The following is an entry in ClinVar:

NM_205836.3(FBXO38):c.1073T>A (p.Val358Glu)

Gene: FBXO38 (F-box protein 38; plus strand). Cytogenetic location: 5q32.
Variant type: single nucleotide variant.
Coding change: c.1073T>A on transcript NM_205836.3 (MANE Select); coding-DNA position 1073, T replaced by A.
Protein change: p.Val358Glu; replaces valine 358 with glutamic acid.
Molecular consequence: missense variant.
Genome position (GRCh38, 1-based): chr5:148,410,745, T>A. VCF-style: chr5-148410745-T-A. GRCh37 (hg19) VCF-style: chr5-147790308-T-A.
Other names: c.1073T>A, p.Val358Glu (NM_001271723.2, NM_030793.5); short protein forms V358E.
Identifiers: ClinVar variation 2091502 (VCV002091502.4), dbSNP rs2531742365, ClinGen allele CA361658365.

ClinVar aggregate classification (germline): Uncertain significance (1 of 4 stars; one submission).

Conditions:
Distal hereditary motor neuropathy type 2. Identifiers: Orphanet 139525, MedGen C3711384, MeSH C580044, MONDO:0015352.

Submission:

Labcorp Genetics (formerly Invitae), Labcorp
Classification: Uncertain significance for Distal hereditary motor neuropathy type 2. Last evaluated: 2022-02-01. Review status: criteria provided, single submitter. Criteria: Invitae Variant Classification Sherloc (09022015). Collection method: clinical testing. Allele origin: germline.
Comment: In summary, the available evidence is currently insufficient to determine the role of this variant in disease. Therefore, it has been classified as a Variant of Uncertain Significance. Algorithms developed to predict the effect of missense changes on protein structure and function are either unavailable or do not agree on the potential impact of this missense change (SIFT: "Deleterious"; PolyPhen-2: "Probably Damaging"; Align-GVGD: "Class C0"). This variant has not been reported in the literature in individuals affected with FBXO38-related conditions. This variant is not present in population databases (gnomAD no frequency). This sequence change replaces valine, which is neutral and non-polar, with glutamic acid, which is acidic and polar, at codon 358 of the FBXO38 protein (p.Val358Glu).